The following is an entry in ClinVar:

ClinVar aggregate classification (germline): Likely pathogenic (1 of 4 stars; one submission).

Conditions:
Peutz-Jeghers syndrome (PJS). Also called: POLYPOSIS, HAMARTOMATOUS INTESTINAL; POLYPS-AND-SPOTS SYNDROME; Peutz-Jeghers polyposis; Periorificial lentiginosis syndrome. Identifiers: Orphanet 2869, MedGen C0031269, MeSH D010580, MONDO:0008280, OMIM 175200.

Submission:

Labcorp Genetics (formerly Invitae), Labcorp
Classification: Likely pathogenic for Peutz-Jeghers syndrome. Last evaluated: 2019-03-16. Review status: criteria provided, single submitter. Criteria: Invitae Variant Classification Sherloc (09022015). Collection method: clinical testing. Allele origin: unknown.
Comment: Loss-of-function variants in STK11 are known to be pathogenic (PMID: 15188174, 16287113). In summary, the currently available evidence indicates that the variant is pathogenic, but additional data are needed to prove that conclusively. Therefore, this variant has been classified as Likely Pathogenic. This variant has not been reported in the literature in individuals with STK11-related conditions. This variant is a deletion of the genomic region encompassing exons 2-7 and part of exon 8 of the STK11 gene.¬†The 5' boundary is likely confined to intron 1, and the 3' end of this event occurs in exon 8 (c.922) of the STK11 gene.¬†It is expected to disrupt RNA splicing and likely results in an absent or disrupted protein product.

Literature cited by the submitters: PubMed 15188174; PubMed 16287113.

NC_000019.9:g.(?_1218406)_(1222985_?)del

Gene: STK11 (serine/threonine kinase 11; plus strand). Cytogenetic location: 19p13.3.
Variant type: Deletion.
Identifiers: ClinVar variation 3248421 (VCV003248421.1).